The following is an entry in ClinVar:

NM_000372.5(TYR):c.1283C>T (p.Pro428Leu)

Gene: TYR (tyrosinase; plus strand). Cytogenetic location: 11q14.3.
Variant type: single nucleotide variant.
Coding change: c.1283C>T on transcript NM_000372.5 (MANE Select); coding-DNA position 1283, C replaced by T.
Protein change: p.Pro428Leu; replaces proline 428 with leucine.
Molecular consequence: missense variant.
Genome position (GRCh38, 1-based): chr11:89,284,871, C>T. VCF-style: chr11-89284871-C-T. GRCh37 (hg19) VCF-style: chr11-89018039-C-T.
Other names: short protein forms P428L.
Identifiers: ClinVar variation 3896220 (VCV003896220.2).

ClinVar aggregate classification (germline): Uncertain significance (1 of 4 stars; one submission).

Submission:

Women's Health and Genetics/Laboratory Corporation of America, LabCorp
Classification: Uncertain significance. Last evaluated: 2025-04-16. Review status: criteria provided, single submitter. Criteria: LabCorp Variant Classification Summary - May 2015. Collection method: clinical testing. Allele origin: germline.
Comment: Variant summary: TYR c.1283C>T (p.Pro428Leu) results in a non-conservative amino acid change in the encoded protein sequence. Five of five in-silico tools predict a damaging effect of the variant on protein function. The variant was absent in 250462 control chromosomes (gnomAD). c.1283C>T has been observed in individuals affected with Oculocutaneous Albinism (Wei_2022, Dotson_2024). These data indicate that the variant may be associated with disease. To our knowledge, no experimental evidence demonstrating an impact on protein function has been reported. The following publications have been ascertained in the context of this evaluation (PMID: 34838614, 38404485). No submitters have cited clinical-significance assessments for this variant to ClinVar. Based on the evidence outlined above, the variant was classified as VUS-possibly pathogenic.

Literature cited by the submitters: PubMed 34838614; PubMed 38404485.